The following is an entry in ClinVar:

ClinVar aggregate classification (germline): Uncertain significance (1 of 4 stars; one submission).

Conditions:
Neonatal encephalomyopathy-cardiomyopathy-respiratory distress syndrome. Also called: Coenzyme Q10 deficiency, primary, 7. Identifiers: Orphanet 457185, MedGen C5568562, MONDO:0014562, OMIM 616276.

Allele frequency attached by ClinVar (database versions not stated): ExAC 0.00001.

Submission:

Labcorp Genetics (formerly Invitae), Labcorp
Classification: Uncertain significance for Neonatal encephalomyopathy-cardiomyopathy-respiratory distress syndrome. Last evaluated: 2022-05-12. Review status: criteria provided, single submitter. Criteria: Invitae Variant Classification Sherloc (09022015). Collection method: clinical testing. Allele origin: germline.
Comment: In summary, the available evidence is currently insufficient to determine the role of this variant in disease. Therefore, it has been classified as a Variant of Uncertain Significance. Algorithms developed to predict the effect of missense changes on protein structure and function are either unavailable or do not agree on the potential impact of this missense change (SIFT: "Tolerated"; PolyPhen-2: "Probably Damaging"; Align-GVGD: "Class C0"). This variant has not been reported in the literature in individuals affected with COQ4-related conditions. This variant is present in population databases (rs750652321, gnomAD 0.004%). This sequence change replaces proline, which is neutral and non-polar, with serine, which is neutral and polar, at codon 258 of the COQ4 protein (p.Pro258Ser).

NM_016035.5(COQ4):c.772C>T (p.Pro258Ser)

Gene: COQ4 (coenzyme Q4; plus strand). Cytogenetic location: 9q34.11.
Variant type: single nucleotide variant.
Coding change: c.772C>T on transcript NM_016035.5 (MANE Select); coding-DNA position 772, C replaced by T.
Protein change: p.Pro258Ser; replaces proline 258 with serine.
Molecular consequence: missense variant. On other transcripts: 3 prime UTR variant (1).
Genome position (GRCh38, 1-based): chr9:128,333,619, C>T. VCF-style: chr9-128333619-C-T. GRCh37 (hg19) VCF-style: chr9-131095898-C-T.
Other names: c.*148C>T (NM_001305942.2); short protein forms P258S.
Identifiers: ClinVar variation 1983514 (VCV001983514.4), dbSNP rs750652321, ClinGen allele CA5260688.
Genomic context (GRCh38, chr9:128,333,619, plus strand): 5'-GAGCGGCGCTGGGAGCAGTCCCTGAGGGCTCTGCGGGAGGAGCTGGGCATTACAGCACCA[C>T]CCATGCACGTCCAGGGCTTGGCCTGAGCTCCTGAGCCAGCGGGGCCTGGCCTACCTCCCC-3'
Protein context (NP_057119.3, residues 248-265): LREELGITAP[Pro258Ser]MHVQGLA